The following is an entry in ClinVar:

ClinVar aggregate classification (germline): Uncertain significance (1 of 4 stars; one submission).

Conditions:
EGFR-related lung cancer (EGFR). Identifiers: MedGen CN130014.

Submission:

Labcorp Genetics (formerly Invitae), Labcorp
Classification: Uncertain significance for EGFR-related lung cancer. Last evaluated: 2023-12-25. Review status: criteria provided, single submitter. Criteria: Invitae Variant Classification Sherloc (09022015). Collection method: clinical testing. Allele origin: germline.
Comment: This sequence change replaces glutamic acid, which is acidic and polar, with alanine, which is neutral and non-polar, at codon 412 of the EGFR protein (p.Glu412Ala). This variant is not present in population databases (gnomAD no frequency). This variant has not been reported in the literature in individuals affected with EGFR-related conditions. Advanced modeling of protein sequence and biophysical properties (such as structural, functional, and spatial information, amino acid conservation, physicochemical variation, residue mobility, and thermodynamic stability) performed at Invitae indicates that this missense variant is not expected to disrupt EGFR protein function with a negative predictive value of 80%. In summary, the available evidence is currently insufficient to determine the role of this variant in disease. Therefore, it has been classified as a Variant of Uncertain Significance.

NM_005228.5(EGFR):c.1235A>C (p.Glu412Ala)

Gene: EGFR (epidermal growth factor receptor; plus strand). Cytogenetic location: 7p11.2.
Variant type: single nucleotide variant.
Coding change: c.1235A>C on transcript NM_005228.5 (MANE Select); coding-DNA position 1235, A replaced by C.
Protein change: p.Glu412Ala; replaces glutamic acid 412 with alanine.
Molecular consequence: missense variant.
Genome position (GRCh38, 1-based): chr7:55,157,690, A>C. VCF-style: chr7-55157690-A-C. GRCh37 (hg19) VCF-style: chr7-55225383-A-C.
Other names: c.1100A>C, p.Glu367Ala (NM_001346897.2, NM_001346899.2); c.1235A>C, p.Glu412Ala (NM_001346898.2, NM_201282.2, NM_201284.2); c.1076A>C, p.Glu359Ala (NM_001346900.2); c.434A>C, p.Glu145Ala (NM_001346941.2); short protein forms E412A, E145A, E359A, E367A.
Identifiers: ClinVar variation 2705388 (VCV002705388.3), dbSNP rs2128939649, ClinGen allele CA367579149.